The following is an entry in ClinVar:

ClinVar aggregate classification (germline): Likely benign (1 of 4 stars; one submission).

Allele frequency attached by ClinVar (database versions not stated): 1000 Genomes Project 0.00180; 1000 Genomes Project 30x 0.00234; TOPMed 0.00488; gnomAD 0.00514.
gnomAD v4.1: 773 of 152,280 alleles (0.51%); highest among the groups gnomAD compares: Non-Finnish European, 0.88%; 3 homozygotes.

Submission:

CeGaT Center for Human Genetics Tuebingen
Classification: Likely benign. Last evaluated: 2023-04-01. Review status: criteria provided, single submitter. Criteria: CeGaT Center For Human Genetics Tuebingen Variant Classification Criteria Version 2. Collection method: clinical testing. Allele origin: germline. Affected: yes. Observed: 3 variant alleles.
Comment: MED27: BS2

NM_004269.4(MED27):c.682-3859T>C

Gene: MED27 (mediator complex subunit 27; minus strand). Cytogenetic location: 9q34.13.
Variant type: single nucleotide variant.
Coding change: c.682-3859T>C on transcript NM_004269.4 (MANE Select); 3859 bases into the intron before coding-DNA position 682, T replaced by C.
Molecular consequence: intron variant.
Genome position (GRCh38, 1-based): chr9:131,887,958, A>G on the plus strand (T>C on the coding strand, the complement: MED27 is on the minus strand). VCF-style: chr9-131887958-A-G. GRCh37 (hg19) VCF-style: chr9-134763345-A-G.
Other names: c.574-3859T>C (NM_001253881.2).
Identifiers: ClinVar variation 2659637 (VCV002659637.24), dbSNP rs72761678, ClinGen allele CA200595871.